The following is an entry in ClinVar:

NM_024649.5(BBS1):c.756G>C (p.Glu252Asp)

Genes: BBS1 (Bardet-Biedl syndrome 1; plus strand), ZDHHC24 (zDHHC palmitoyltransferase 24; minus strand). Cytogenetic location: 11q13.2.
Variant type: single nucleotide variant.
Coding change: c.756G>C on transcript NM_024649.5 (MANE Select); coding-DNA position 756, G replaced by C.
Protein change: p.Glu252Asp; replaces glutamic acid 252 with aspartic acid.
Molecular consequence: missense variant. On other transcripts: 3 prime UTR variant (1).
Genome position (GRCh38, 1-based): chr11:66,521,302, G>C. VCF-style: chr11-66521302-G-C. GRCh37 (hg19) VCF-style: chr11-66288773-G-C.
Other names: c.*186C>G (NM_001348571.2); short protein forms E252D.
Identifiers: ClinVar variation 1411069 (VCV001411069.10), dbSNP rs149920346, ClinGen allele CA6123483.

ClinVar aggregate classification (germline): Uncertain significance. Review status: criteria provided, multiple submitters, no conflicts (2 of 4 stars). 4 submissions from 4 submitters: Uncertain significance (3). 1 of the submissions does not count toward it. Last evaluated 2025-02-03.

Conditions:
BBS1-related disorder. Also called: BBS1-related condition.
Bardet-Biedl syndrome 1 (BBS1). Identifiers: MedGen C2936862, MONDO:0008854, OMIM 209900. Disease mechanism: loss of function.
Bardet-Biedl syndrome (BBS). Identifiers: Orphanet 110, MedGen C0752166, MONDO:0015229.

Allele frequency attached by ClinVar (database versions not stated): gnomAD 0.00010 and 0.00011; gnomAD exomes 0.00001 and 0.00003; TOPMed 0.00014; ESP Exome Variant Server 0.00015; 1000 Genomes Project 30x 0.00062; ExAC 0.00003; 1000 Genomes Project 0.00040.
gnomAD v4.1: 32 of 1,614,230 alleles (0.002%); highest among the groups gnomAD compares: African/African-American, 0.043%; no homozygotes.

Submissions (4):

Labcorp Genetics (formerly Invitae), Labcorp
Classification: Uncertain significance for Bardet-Biedl syndrome. Last evaluated: 2025-02-03. Review status: criteria provided, single submitter. Criteria: Invitae Variant Classification Sherloc (09022015). Collection method: clinical testing. Allele origin: germline.
Comment: This sequence change replaces glutamic acid, which is acidic and polar, with aspartic acid, which is acidic and polar, at codon 252 of the BBS1 protein (p.Glu252Asp). This variant is present in population databases (rs149920346, gnomAD 0.05%). This variant has not been reported in the literature in individuals affected with BBS1-related conditions. ClinVar contains an entry for this variant (Variation ID: 1411069). Invitae Evidence Modeling of protein sequence and biophysical properties (such as structural, functional, and spatial information, amino acid conservation, physicochemical variation, residue mobility, and thermodynamic stability) indicates that this missense variant is not expected to disrupt BBS1 protein function with a negative predictive value of 95%. In summary, the available evidence is currently insufficient to determine the role of this variant in disease. Therefore, it has been classified as a Variant of Uncertain Significance.

Fulgent Genetics
Classification: Uncertain significance for Bardet-Biedl syndrome 1. Last evaluated: 2024-04-22. Review status: criteria provided, single submitter. Criteria: ACMG Guidelines, 2015. Collection method: clinical testing. Allele origin: germline.

Blueprint Genetics
Classification: Uncertain significance. Last evaluated: 2024-02-16. Review status: criteria provided, single submitter. Criteria: ACMG Guidelines, 2015. Collection method: clinical testing. Allele origin: germline.

PreventionGenetics, part of Exact Sciences
Classification: Uncertain significance for BBS1-related condition. Last evaluated: 2024-05-06. Review status: no assertion criteria provided. Collection method: clinical testing. Allele origin: germline. Not counted in ClinVar's aggregate classification.
Comment: The BBS1 c.756G>C variant is predicted to result in the amino acid substitution p.Glu252Asp. To our knowledge, this variant has not been reported in the literature. This variant is reported in 0.048% of alleles in individuals of African descent in gnomAD. At this time, the clinical significance of this variant is uncertain due to the absence of conclusive functional and genetic evidence.